The following is an entry in ClinVar:

ClinVar aggregate classification (germline): Pathogenic (1 of 4 stars; one submission).

Conditions:
Colorectal cancer, susceptibility to, 12 (CRCS12). Also called: COLORECTAL CANCER, SUSCEPTIBILITY TO, ON CHROMOSOME 12q24. Identifiers: Orphanet 220460, MedGen C3554460, MONDO:0014038, OMIM 615083.

Submission:

Labcorp Genetics (formerly Invitae), Labcorp
Classification: Pathogenic for Colorectal cancer, susceptibility to, 12. Last evaluated: 2022-07-05. Review status: criteria provided, single submitter. Criteria: Invitae Variant Classification Sherloc (09022015). Collection method: clinical testing. Allele origin: germline.
Comment: This sequence change creates a premature translational stop signal (p.Tyr397Glyfs*17) in the POLE gene. It is expected to result in an absent or disrupted protein product. Loss-of-function variants in POLE are known to be pathogenic (PMID: 23230001, 25948378, 30503519). This variant is not present in population databases (gnomAD no frequency). This variant has not been reported in the literature in individuals affected with POLE-related conditions. For these reasons, this variant has been classified as Pathogenic.

Literature cited by the submitters: PubMed 23230001; PubMed 25948378; PubMed 30503519.

NM_006231.4(POLE):c.1184_1188dup (p.Tyr397fs)

Gene: POLE (DNA polymerase epsilon, catalytic subunit; minus strand). Cytogenetic location: 12q24.33.
Variant type: Duplication.
Coding change: c.1184_1188dup on transcript NM_006231.4 (MANE Select); coding-DNA positions 1184 to 1188, 5 bases duplicated (GGGAG; older notation c.1184_1188dupGGGAG).
Protein change: p.Tyr397fs; shifts the reading frame from tyrosine 397.
Molecular consequence: frameshift variant.
Genome position (GRCh38, 1-based): chr12:132,675,436-132,675,440, CTCCC duplicated on the plus strand (GGGAG on the coding strand, the reverse complement: POLE is on the minus strand); duplicating any 5 consecutive bases within chr12:132,675,436-132,675,441 gives the same sequence; the c. name uses the placement nearest the transcript's 3' end. VCF-style (leftmost placement, unchanged base first): chr12-132675435-A-ACTCCC. GRCh37 (hg19) VCF-style: chr12-133252021-A-ACTCCC.
Other names: short protein forms Y397fs.
Identifiers: ClinVar variation 1974108 (VCV001974108.2), dbSNP rs2542157997, ClinGen allele CA2575359449.